The following is an entry in ClinVar:

NM_003054.6(SLC18A2):c.1518TGAAGA[1] (p.Asp508_Glu509del)

Gene: SLC18A2 (solute carrier family 18 member A2; plus strand). Cytogenetic location: 10q25.3.
Variant type: Microsatellite.
Coding change: c.1518TGAAGA[1] on transcript NM_003054.6 (MANE Select); one copy of the 6-base unit TGAAGA starting at c.1518; the reference has two copies in a row; one copy, 6 bases deleted.
Protein change: p.Asp508_Glu509del.
Molecular consequence: inframe deletion.
Genome position (GRCh38, 1-based): chr10:117,277,245-117,277,250, TGAAGA deleted; deleting any 6 consecutive bases within chr10:117,277,239-117,277,250 gives the same sequence; the position shown is the placement nearest the transcript's 3' end. VCF-style (leftmost placement, unchanged base first): chr10-117277238-GTGAAGA-G. GRCh37 (hg19) VCF-style: chr10-119036749-GTGAAGA-G.
Other names: c.1524_1529delTGAAGA (NM_003054.4).
Identifiers: ClinVar variation 1403313 (VCV001403313.10), dbSNP rs1463866532, ClinGen allele CA596170417.

ClinVar aggregate classification (germline): Uncertain significance. Review status: criteria provided, multiple submitters, no conflicts (2 of 4 stars). 2 submissions from 2 submitters: Uncertain significance (2). Last evaluated 2026-02-04.

Conditions:
Inborn genetic diseases. Identifiers: MedGen C0950123, MeSH D030342.

Submissions (2):

Ambry Genetics
Classification: Uncertain significance for Inborn genetic diseases. Last evaluated: 2026-02-04. Review status: criteria provided, single submitter. Criteria: Ambry Variant Classification Scheme 2023. Collection method: clinical testing. Allele origin: germline.
Comment: The c.1524_1529delTGAAGA (p.D508_E509del) alteration, located in exon 16 (coding exon 15) of the SLC18A2 gene, results from an in-frame deletion of 6 nucleotides at positions 1524 to 1529. This results in the deletion of 2 amino acids between codons 508 and 509. Based on data from gnomAD, the c.1524_1529delTGAAGA allele has an overall frequency of 0.001% (2/249492) total alleles studied. The highest observed frequency was 0.006% (2/34260) of Latino alleles. These amino acid positions are well conserved in available vertebrate species. Based on insufficient or conflicting evidence, the clinical significance of this alteration remains unclear.

Labcorp Genetics (formerly Invitae), Labcorp
Classification: Uncertain significance. Last evaluated: 2025-01-27. Review status: criteria provided, single submitter. Criteria: Invitae Variant Classification Sherloc (09022015). Collection method: clinical testing. Allele origin: germline.
Comment: This variant, c.1524_1529del, results in the deletion of 2 amino acid(s) of the SLC18A2 protein (p.Asp508_Glu509del), but otherwise preserves the integrity of the reading frame. This variant is present in population databases (no rsID available, gnomAD 0.006%). This variant has not been reported in the literature in individuals affected with SLC18A2-related conditions. Experimental studies and prediction algorithms are not available or were not evaluated, and the functional significance of this variant is currently unknown. Algorithms developed to predict the effect of sequence changes on RNA splicing suggest that this variant may disrupt the consensus splice site. In summary, the available evidence is currently insufficient to determine the role of this variant in disease. Therefore, it has been classified as a Variant of Uncertain Significance.